The following is an entry in ClinVar:

NM_006030.4(CACNA2D2):c.3220G>A (p.Glu1074Lys)

Genes: CACNA2D2 (calcium voltage-gated channel auxiliary subunit alpha2delta 2; minus strand), LOC127898564 (CYB561D2-LOC101928965; plus strand). Cytogenetic location: 3p21.31.
Variant type: single nucleotide variant.
Coding change: c.3220G>A on transcript NM_006030.4 (MANE Select); coding-DNA position 3220, G replaced by A.
Protein change: p.Glu1074Lys; replaces glutamic acid 1074 with lysine.
Molecular consequence: missense variant.
Genome position (GRCh38, 1-based): chr3:50,364,959, C>T on the plus strand (G>A on the coding strand, the complement: CACNA2D2 is on the minus strand). VCF-style: chr3-50364959-C-T. GRCh37 (hg19) VCF-style: chr3-50402390-C-T.
Other names: c.3226G>A, p.Glu1076Lys (NM_001005505.3); c.3241G>A, p.Glu1081Lys (NM_001174051.3); c.3019G>A, p.Glu1007Lys (NM_001291101.1); c.3241G>A (NM_001174051.1); short protein forms E1007K, E1074K, E1081K, E1076K.
Identifiers: ClinVar variation 1409665 (VCV001409665.9), dbSNP rs1457696255, ClinGen allele CA352900542.
Genomic context (GRCh38, chr3:50,364,959, plus strand): 5'-AGTCGAAGCAGATGTGCGGGCCTCTCCGGTATCGCGGTCTCTGCACTAGCTCACACTGCT[C>T]CGGGCCGTCCGCTGGGCATGGGTGGGGAGTCAAGGAGGCGGACGGCGGCGGCGGCACGGA-3'
Protein context (NP_006021.2, residues 1064-1084): LQKETHSDGP[Glu1074Lys]QCELVQRPRY

ClinVar aggregate classification (germline): Uncertain significance. Review status: criteria provided, multiple submitters, no conflicts (2 of 4 stars). 2 submissions from 2 submitters: Uncertain significance (2). Last evaluated 2023-06-02.

Conditions:
Inborn genetic diseases. Identifiers: MedGen C0950123, MeSH D030342.
Early-infantile DEE. Also called: Ohtahara syndrome; Early infantile epileptic encephalopathy with suppression bursts; Early infantile epileptic encephalopathy. Identifiers: Orphanet 1934, MedGen C0393706, MONDO:0800491.

Submissions (2):

Ambry Genetics
Classification: Uncertain significance for Inborn genetic diseases. Last evaluated: 2023-06-02. Review status: criteria provided, single submitter. Criteria: Ambry Variant Classification Scheme 2023. Collection method: clinical testing. Allele origin: germline.

Labcorp Genetics (formerly Invitae), Labcorp
Classification: Uncertain significance for Early-infantile DEE. Last evaluated: 2021-10-12. Review status: criteria provided, single submitter. Criteria: Invitae Variant Classification Sherloc (09022015). Collection method: clinical testing. Allele origin: germline.
Comment: This variant is not present in population databases (ExAC no frequency). This variant has not been reported in the literature in individuals affected with CACNA2D2-related conditions. This sequence change replaces glutamic acid with lysine at codon 1074 of the CACNA2D2 protein (p.Glu1074Lys). The glutamic acid residue is moderately conserved and there is a small physicochemical difference between glutamic acid and lysine. In summary, the available evidence is currently insufficient to determine the role of this variant in disease. Therefore, it has been classified as a Variant of Uncertain Significance. Algorithms developed to predict the effect of missense changes on protein structure and function are either unavailable or do not agree on the potential impact of this missense change (SIFT: "Deleterious"; PolyPhen-2: "Benign"; Align-GVGD: "Class C0").